The following is an entry in ClinVar:

NM_002430.3(MN1):c.2817C>T (p.Gly939=)

Gene: MN1 (MN1 proto-oncogene, transcriptional regulator; minus strand). Cytogenetic location: 22q12.1.
Variant type: single nucleotide variant.
Coding change: c.2817C>T on transcript NM_002430.3 (MANE Select); coding-DNA position 2817, C replaced by T.
Protein change: p.Gly939=; no amino-acid change (glycine 939 retained).
Molecular consequence: synonymous variant.
Genome position (GRCh38, 1-based): chr22:27,797,727, G>A on the plus strand (C>T on the coding strand, the complement: MN1 is on the minus strand). VCF-style: chr22-27797727-G-A. GRCh37 (hg19) VCF-style: chr22-28193715-G-A.
Identifiers: ClinVar variation 2653018 (VCV002653018.25), dbSNP rs200253358, ClinGen allele CA10166181.

ClinVar aggregate classification (germline): Likely benign. Review status: criteria provided, multiple submitters, no conflicts (2 of 4 stars). 2 submissions from 2 submitters: Likely benign (2). Last evaluated 2024-11-17.

Allele frequency attached by ClinVar (database versions not stated): ESP Exome Variant Server 0.00051; TOPMed 0.00056; gnomAD 0.00072; 1000 Genomes Project 30x 0.00078; 1000 Genomes Project 0.00080; ExAC 0.00098; gnomAD exomes 0.00119.
gnomAD v4.1: 1,820 of 1,611,452 alleles (0.11%); highest among the groups gnomAD compares: South Asian, 0.17%; 4 homozygotes.

Submissions (2):

Blueprint Genetics
Classification: Likely benign. Last evaluated: 2024-11-17. Review status: criteria provided, single submitter. Criteria: ACMG Guidelines, 2015. Collection method: clinical testing. Allele origin: germline.

CeGaT Center for Human Genetics Tuebingen
Classification: Likely benign. Last evaluated: 2024-08-01. Review status: criteria provided, single submitter. Criteria: CeGaT Center For Human Genetics Tuebingen Variant Classification Criteria Version 2. Collection method: clinical testing. Allele origin: germline. Affected: yes. Observed: 2 variant alleles.
Comment: MN1: BP4, BP7, BS1